The following is an entry in ClinVar:

ClinVar aggregate classification (germline): Uncertain significance (1 of 4 stars; one submission).

Submission:

CeGaT Center for Human Genetics Tuebingen
Classification: Uncertain significance. Last evaluated: 2022-07-01. Review status: criteria provided, single submitter. Criteria: CeGaT Center For Human Genetics Tuebingen Variant Classification Criteria Version 2. Collection method: clinical testing. Allele origin: germline. Affected: yes. Observed: 1 variant allele.
Comment: TTN: PM2

NM_001267550.2(TTN):c.29437A>T (p.Lys9813Ter)

Gene: TTN (titin; minus strand). Cytogenetic location: 2q31.2.
Variant type: single nucleotide variant.
Coding change: c.29437A>T on transcript NM_001267550.2 (MANE Select); coding-DNA position 29437, A replaced by T.
Protein change: p.Lys9813Ter; replaces lysine 9813 with a stop codon.
Molecular consequence: nonsense. On other transcripts: intron variant (3).
Genome position (GRCh38, 1-based): chr2:178,705,341, T>A on the plus strand (A>T on the coding strand, the complement: TTN is on the minus strand). VCF-style: chr2-178705341-T-A. GRCh37 (hg19) VCF-style: chr2-179570068-T-A.
Other names: c.28486A>T, p.Lys9496Ter (NM_001256850.1); c.25705A>T, p.Lys8569Ter (NM_133378.4); c.13282+32741A>T (NM_003319.4); c.13858+32741A>T (NM_133437.4); c.13657+32741A>T (NM_133432.3); short protein forms K8569*, K9496*, K9813*.
Identifiers: ClinVar variation 2651674 (VCV002651674.24), dbSNP rs2475287728, ClinGen allele CA349580695.